The following is an entry in ClinVar:

NM_001349.4(DARS1):c.1069G>A (p.Glu357Lys)

Gene: DARS1 (aspartyl-tRNA synthetase 1; minus strand). Cytogenetic location: 2q21.3.
Variant type: single nucleotide variant.
Coding change: c.1069G>A on transcript NM_001349.4 (MANE Select); coding-DNA position 1069, G replaced by A.
Protein change: p.Glu357Lys; replaces glutamic acid 357 with lysine.
Molecular consequence: missense variant.
Genome position (GRCh38, 1-based): chr2:135,916,263, C>T on the plus strand (G>A on the coding strand, the complement: DARS1 is on the minus strand). VCF-style: chr2-135916263-C-T. GRCh37 (hg19) VCF-style: chr2-136673833-C-T.
Other names: c.769G>A, p.Glu257Lys (NM_001293312.1); c.1069G>A (NM_001349.2); short protein forms E357K, E257K.
Identifiers: ClinVar variation 2188150 (VCV002188150.5), dbSNP rs551067324, ClinGen allele CA1889600.

ClinVar aggregate classification (germline): Uncertain significance. Review status: criteria provided, multiple submitters, no conflicts (2 of 4 stars). 2 submissions from 2 submitters: Uncertain significance (2). Last evaluated 2024-11-25.

Conditions:
Inborn genetic diseases. Identifiers: MedGen C0950123, MeSH D030342.

Allele frequency attached by ClinVar (database versions not stated): gnomAD exomes below 0.00001; ExAC 0.00001; TOPMed 0.00001; gnomAD 0.00003; 1000 Genomes Project 0.00020; 1000 Genomes Project 30x 0.00031.

Submissions (2):

Ambry Genetics
Classification: Uncertain significance for Inborn genetic diseases. Last evaluated: 2024-11-25. Review status: criteria provided, single submitter. Criteria: Ambry Variant Classification Scheme 2023. Collection method: clinical testing. Allele origin: germline.

Labcorp Genetics (formerly Invitae), Labcorp
Classification: Uncertain significance. Last evaluated: 2022-11-08. Review status: criteria provided, single submitter. Criteria: Invitae Variant Classification Sherloc (09022015). Collection method: clinical testing. Allele origin: germline.
Comment: In summary, the available evidence is currently insufficient to determine the role of this variant in disease. Therefore, it has been classified as a Variant of Uncertain Significance. Advanced modeling of protein sequence and biophysical properties (such as structural, functional, and spatial information, amino acid conservation, physicochemical variation, residue mobility, and thermodynamic stability) performed at Invitae indicates that this missense variant is not expected to disrupt DARS protein function. This variant has not been reported in the literature in individuals affected with DARS-related conditions. This variant is present in population databases (rs551067324, gnomAD 0.003%). This sequence change replaces glutamic acid, which is acidic and polar, with lysine, which is basic and polar, at codon 357 of the DARS protein (p.Glu357Lys).